The following is an entry in ClinVar:

ClinVar aggregate classification (germline): Uncertain significance (1 of 4 stars; one submission).

Allele frequency attached by ClinVar (database versions not stated): gnomAD exomes 0.00001.
gnomAD v4.1: 4 of 1,613,764 alleles (0.00025%); highest among the groups gnomAD compares: South Asian, 0.0033%; no homozygotes.

Submission:

Labcorp Genetics (formerly Invitae), Labcorp
Classification: Uncertain significance. Last evaluated: 2021-05-31. Review status: criteria provided, single submitter. Criteria: Invitae Variant Classification Sherloc (09022015). Collection method: clinical testing. Allele origin: germline.
Comment: This variant has not been reported in the literature in individuals with ACOX2-related conditions. This variant is not present in population databases (ExAC no frequency). This sequence change replaces leucine with phenylalanine at codon 443 of the ACOX2 protein (p.Leu443Phe). The leucine residue is highly conserved and there is a small physicochemical difference between leucine and phenylalanine. Algorithms developed to predict the effect of missense changes on protein structure and function are either unavailable or do not agree on the potential impact of this missense change (SIFT: "Deleterious"; PolyPhen-2: "Probably Damaging"; Align-GVGD: "Class C0"). In summary, the available evidence is currently insufficient to determine the role of this variant in disease. Therefore, it has been classified as a Variant of Uncertain Significance.

NM_003500.4(ACOX2):c.1327C>T (p.Leu443Phe)

Gene: ACOX2 (acyl-CoA oxidase 2; minus strand). Cytogenetic location: 3p14.3.
Variant type: single nucleotide variant.
Coding change: c.1327C>T on transcript NM_003500.4 (MANE Select); coding-DNA position 1327, C replaced by T.
Protein change: p.Leu443Phe; replaces leucine 443 with phenylalanine.
Molecular consequence: missense variant.
Genome position (GRCh38, 1-based): chr3:58,526,485, G>A on the plus strand (C>T on the coding strand, the complement: ACOX2 is on the minus strand). VCF-style: chr3-58526485-G-A. GRCh37 (hg19) VCF-style: chr3-58512212-G-A.
Other names: short protein forms L443F.
Identifiers: ClinVar variation 1426898 (VCV001426898.8), dbSNP rs2108003752, ClinGen allele CA353370130.